The following is an entry in ClinVar:

ClinVar aggregate classification (germline): Likely benign (1 of 4 stars; one submission).

Submission:

CeGaT Center for Human Genetics Tuebingen
Classification: Likely benign. Last evaluated: 2025-08-01. Review status: criteria provided, single submitter. Criteria: CeGaT Center For Human Genetics Tuebingen Variant Classification Criteria Version 2. Collection method: clinical testing. Allele origin: germline. Affected: yes. Observed: 1 variant allele.
Comment: DICER1: PM2:Supporting, BP4, BP7

NM_177438.3(DICER1):c.4092A>C (p.Gly1364=)

Gene: DICER1 (dicer 1, ribonuclease III; minus strand). Cytogenetic location: 14q32.13.
Variant type: single nucleotide variant.
Coding change: c.4092A>C on transcript NM_177438.3 (MANE Select); coding-DNA position 4092, A replaced by C.
Protein change: p.Gly1364=; no amino-acid change (glycine 1364 retained).
Molecular consequence: synonymous variant. On other transcripts: non-coding transcript variant (6).
Genome position (GRCh38, 1-based): chr14:95,099,894, T>G on the plus strand (A>C on the coding strand, the complement: DICER1 is on the minus strand). VCF-style: chr14-95099894-T-G. GRCh37 (hg19) VCF-style: chr14-95566231-T-G.
Other names: c.4092A>C, p.Gly1364= (NM_001195573.1, NM_001271282.3, NM_001291628.2 and 12 more transcripts); c.3810A>C, p.Gly1270= (NM_001395686.1); c.3687A>C, p.Gly1229= (NM_001395687.1, NM_001395688.1, NM_001395689.1 and 2 more transcripts); c.3525A>C, p.Gly1175= (NM_001395691.1); c.2409A>C, p.Gly803= (NM_001395697.1).
Identifiers: ClinVar variation 4085754 (VCV004085754.8).
Genomic context (GRCh38, chr14:95,099,894, plus strand): 5'-ACCAGGAGGAAGCCAATTCACAGGGGGATCAAATATTGACACCACCATGCGGCTGGGTAG[T>G]CCCTTCTTTTTTCCAAGGCGATACAGATTACAGTTGCTGACCTTTAGCAGAAAATATTAG-3'
Protein context (NP_803187.1, residues 1354-1374): CNLYRLGKKK[Gly1364=]LPSRMVVSIF